The following is an entry in ClinVar:

NM_006295.3(VARS1):c.2219_2241+49del

Gene: VARS1 (valyl-tRNA synthetase 1; minus strand). Cytogenetic location: 6p21.33.
Variant type: Deletion.
Coding change: c.2219_2241+49del on transcript NM_006295.3 (MANE Select); coding-DNA position 2219 through 49 bases into the intron after coding-DNA position 2241, 72 bases deleted.
Molecular consequence: splice donor variant.
Genome position (GRCh38, 1-based): chr6:31,782,038-31,782,109, 72 bases deleted. GRCh37 (hg19): chr6:31,749,818-31,749,889.
Identifiers: ClinVar variation 3188163 (VCV003188163.1), dbSNP rs2537607339, ClinGen allele CA2825001460.

ClinVar aggregate classification (germline): Uncertain significance (1 of 4 stars; one submission).

Conditions:
Inborn genetic diseases. Identifiers: MedGen C0950123, MeSH D030342.

Submission:

Ambry Genetics
Classification: Uncertain significance for Inborn genetic diseases. Last evaluated: 2021-11-05. Review status: criteria provided, single submitter. Criteria: Ambry Variant Classification Scheme 2023. Collection method: clinical testing. Allele origin: germline.
Comment: Resulting transcript is predicted to be in-frame and is not expected to trigger nonsense-mediated mRNA decay Based on insufficient or conflicting evidence, the clinical significance of this alteration remains unclear.